The following is an entry in ClinVar:

NM_033517.1:c.379A>G

Gene: SHANK3 (SH3 and multiple ankyrin repeat domains 3; plus strand).
Variant type: single nucleotide variant.
Other names: c.379A>G (NM_033517.1).
Identifiers: ClinVar variation 4532577 (VCV004532577.1).

ClinVar aggregate classification (germline): Uncertain significance (1 of 4 stars; one submission).

Submission:

GeneDx
Classification: Uncertain significance. Last evaluated: 2025-05-28. Review status: criteria provided, single submitter. Criteria: GeneDx Variant Classification Process June 2021. Collection method: clinical testing. Allele origin: germline. Affected: yes.
Comment: Not observed at significant frequency in large population cohorts (gnomAD); In silico analysis suggests that this missense variant does not alter protein structure/function; Has not been previously published as pathogenic or benign to our knowledge